The following is an entry in ClinVar:

ClinVar aggregate classification (germline): Conflicting classifications of pathogenicity. Review status: criteria provided, conflicting classifications (1 of 4 stars). 5 submissions from 5 submitters: Uncertain significance (2); Benign (1); Likely benign (2). Last evaluated 2026-01-09.

Conditions:
Oto-palato-digital syndrome, type II (OPD2). Also called: Otopalatodigital Syndrome, Type II; FACIOPALATOOSSEOUS SYNDROME; OPD II SYNDROME; Otopalatodigital Syndrome Type 2 (FLNA-OPD2). Identifiers: Orphanet 669, Orphanet 90652, MedGen C1844696, MONDO:0010571, OMIM 304120.
Frontometaphyseal dysplasia (FMD1). Identifiers: Orphanet 1826, MedGen C0265293, MONDO:0015942.
Heterotopia, periventricular, X-linked dominant (PVNH1). Also called: PERIVENTRICULAR NODULAR HETEROTOPIA 1; X-linked periventricular heterotopia; PERIVENTRICULAR NODULAR HETEROTOPIA 4; HETEROTOPIA, PERIVENTRICULAR, 1. Identifiers: Orphanet 2149, Orphanet 82004, MedGen C1848213, MONDO:0010233, OMIM 300049.
Melnick-Needles syndrome (MNS). Also called: MELNICK-NEEDLES OSTEODYSPLASTY; OSTEODYSPLASTY OF MELNICK AND NEEDLES; Melnick-Needles Syndrome (FLNA-MNS). Identifiers: Orphanet 2484, MedGen C0025237, MONDO:0010650, OMIM 309350.
Familial thoracic aortic aneurysm and aortic dissection (TAAD). Also called: Thoracic aortic aneurysms and dissections. Identifiers: Orphanet 91387, MedGen C4707243, MONDO:0019625.

Allele frequency attached by ClinVar (database versions not stated): gnomAD exomes 0.00007 and 0.00006; ESP Exome Variant Server 0.00010; 1000 Genomes Project 30x 0.00021; TOPMed 0.00001; ExAC 0.00006; 1000 Genomes Project 0.00026.
gnomAD v4.1: 83 of 1,207,444 alleles (0.0069%); highest among the groups gnomAD compares: South Asian, 0.0088%; no homozygotes.

Submissions (5):

Labcorp Genetics (formerly Invitae), Labcorp
Classification: Benign for Oto-palato-digital syndrome, type II; Heterotopia, periventricular, X-linked dominant; Frontometaphyseal dysplasia; Melnick-Needles syndrome. Last evaluated: 2026-01-09. Review status: criteria provided, single submitter. Criteria: Invitae Variant Classification Sherloc (09022015). Collection method: clinical testing. Allele origin: germline.

Ambry Genetics
Classification: Likely benign for Familial thoracic aortic aneurysm and aortic dissection. Last evaluated: 2025-05-03. Review status: criteria provided, single submitter. Criteria: Ambry Variant Classification Scheme 2023. Collection method: clinical testing. Allele origin: germline.

Women's Health and Genetics/Laboratory Corporation of America, LabCorp
Classification: Likely benign. Last evaluated: 2024-11-26. Review status: criteria provided, single submitter. Criteria: LabCorp Variant Classification Summary - May 2015. Collection method: clinical testing. Allele origin: germline.
Comment: Variant summary: FLNA c.7927C>T (p.Arg2643Cys) results in a non-conservative amino acid change in the encoded protein sequence. Five of five in-silico tools predict a damaging effect of the variant on protein function. The variant allele was found at a frequency of 6.9e-05 in 1207444 control chromosomes, including 33 hemizygotes. The observed variant frequency is approximately 220 fold of the estimated maximal expected allele frequency for a pathogenic variant in FLNA causing Periventricular Nodular Heterotopia phenotype (3.1e-07). To our knowledge, no occurrence of c.7927C>T in individuals affected with Periventricular Nodular Heterotopia and no experimental evidence demonstrating its impact on protein function have been reported. ClinVar contains an entry for this variant (Variation ID: 213511). Based on the evidence outlined above, the variant was classified as likely benign.

GeneDx
Classification: Uncertain significance. Last evaluated: 2023-06-05. Review status: criteria provided, single submitter. Criteria: GeneDx Variant Classification Process June 2021. Collection method: clinical testing. Allele origin: germline. Affected: yes.
Comment: Has not been previously published as pathogenic or benign to our knowledge; In silico analysis supports that this missense variant has a deleterious effect on protein structure/function

ARUP Laboratories, Molecular Genetics and Genomics, ARUP Laboratories
Classification: Uncertain significance. Last evaluated: 2022-04-06. Review status: criteria provided, single submitter. Criteria: ARUP Molecular Germline Variant Investigation Process 2021. Collection method: clinical testing. Allele origin: germline.
Comment: The FLNA c.7903C>T; p.Arg2635Cys variant (rs200836471), to our knowledge, is not reported in the medical literature but is reported in ClinVar (Variation ID: 213511). This variant is found in the general population with an overall allele frequency of 0.007% (13/198829 alleles, including 5 hemizygotes) in the Genome Aggregation Database. The arginine at codon 2635 is moderately conserved, but computational analyses are uncertain whether this variant is neutral or deleterious (REVEL: 0.636). Due to limited information, the clinical significance of the p.Arg2635Cys variant is uncertain at this time.

NM_001110556.2(FLNA):c.7927C>T (p.Arg2643Cys)

Genes: FLNA (filamin A; minus strand), LOC107988032 (Xq28 proximal FLNA-EMD recombination region; plus strand). Cytogenetic location: Xq28.
Variant type: single nucleotide variant.
Coding change: c.7927C>T on transcript NM_001110556.2 (MANE Select); coding-DNA position 7927, C replaced by T.
Protein change: p.Arg2643Cys; replaces arginine 2643 with cysteine.
Molecular consequence: missense variant.
Genome position (GRCh38, 1-based): chrX:154,348,866, G>A on the plus strand (C>T on the coding strand, the complement: FLNA is on the minus strand). VCF-style: chrX-154348866-G-A. GRCh37 (hg19) VCF-style: chrX-153577234-G-A.
Other names: p.R2635C:CGC>TGC; c.7903C>T, p.Arg2635Cys (NM_001456.4); short protein forms R2635C, R2643C.
Identifiers: ClinVar variation 213511 (VCV000213511.18), dbSNP rs200836471, ClinGen allele CA322167.